The following is an entry in ClinVar:

ClinVar aggregate classification (germline): Uncertain significance (1 of 4 stars; one submission).

Conditions:
Hereditary cancer-predisposing syndrome. Also called: Hereditary Cancer Syndrome; Hereditary neoplastic syndrome; Neoplastic Syndromes, Hereditary; Tumor predisposition. Identifiers: Orphanet 140162, MedGen C0027672, MeSH D009386, MONDO:0015356.

Submission:

Ambry Genetics
Classification: Uncertain significance for Hereditary cancer-predisposing syndrome. Last evaluated: 2021-06-04. Review status: criteria provided, single submitter. Criteria: Ambry Variant Classification Scheme 2023. Collection method: clinical testing. Allele origin: germline.
Comment: The p.S312T variant (also known as c.935G>C), located in coding exon 4 of the PALB2 gene, results from a G to C substitution at nucleotide position 935. The serine at codon 312 is replaced by threonine, an amino acid with similar properties. This amino acid position is poorly conserved in available vertebrate species. In addition, this alteration is predicted to be tolerated by in silico analysis. Since supporting evidence is limited at this time, the clinical significance of this alteration remains unclear.

NM_024675.4(PALB2):c.935G>C (p.Ser312Thr)

Gene: PALB2 (partner and localizer of BRCA2; minus strand). Cytogenetic location: 16p12.2.
Variant type: single nucleotide variant.
Coding change: c.935G>C on transcript NM_024675.4 (MANE Select); coding-DNA position 935, G replaced by C.
Protein change: p.Ser312Thr; replaces serine 312 with threonine.
Molecular consequence: missense variant.
Genome position (GRCh38, 1-based): chr16:23,635,611, C>G on the plus strand (G>C on the coding strand, the complement: PALB2 is on the minus strand). VCF-style: chr16-23635611-C-G. GRCh37 (hg19) VCF-style: chr16-23646932-C-G.
Other names: c.875G>C, p.Ser292Thr (NM_001407296.1); c.935G>C, p.Ser312Thr (NM_001407297.1, NM_001407298.1, NM_001407299.1 and 3 more transcripts); c.50G>C, p.Ser17Thr (NM_001407304.1, NM_001407305.1, NM_001407306.1 and 5 more transcripts); short protein forms S312T, S292T, S17T.
Identifiers: ClinVar variation 1766680 (VCV001766680.2), dbSNP rs1407319475, ClinGen allele CA395135225.